The following is an entry in ClinVar:

ClinVar aggregate classification (germline): Uncertain significance. Review status: criteria provided, multiple submitters, no conflicts (2 of 4 stars). 4 submissions from 4 submitters: Uncertain significance (3). 1 of the submissions does not count toward it. Last evaluated 2026-04-23.

Conditions:
Optic atrophy. Identifiers: MedGen C0029124, MONDO:0003608, HP:0000648.
Congenital sideroblastic anemia-B-cell immunodeficiency-periodic fever-developmental delay syndrome. Also called: Sideroblastic anemia with B-cell immunodeficiency, periodic fevers, and developmental delay. Identifiers: Orphanet 369861, MedGen C4015172, MONDO:0014487, OMIM 616084.

Allele frequency attached by ClinVar (database versions not stated): 1000 Genomes Project 30x 0.00016; TOPMed 0.00017; gnomAD 0.00019 and 0.00021; 1000 Genomes Project 0.00020; ESP Exome Variant Server 0.00023.
gnomAD v4.1: 322 of 1,614,184 alleles (0.02%); highest among the groups gnomAD compares: Non-Finnish European, 0.026%; no homozygotes.

Submissions (6):

GeneDx
Classification: Uncertain significance. Last evaluated: 2026-04-23. Review status: criteria provided, single submitter. Criteria: GeneDx Variant Classification Process June 2021. Collection method: clinical testing. Allele origin: germline.
Comment: In silico analysis supports that this missense variant has a deleterious effect on protein structure/function; Has not been previously published as pathogenic or benign to our knowledge

CeGaT Center for Human Genetics Tuebingen
Classification: Uncertain significance. Last evaluated: 2026-04-01. Review status: criteria provided, single submitter. Criteria: CeGaT Center For Human Genetics Tuebingen Variant Classification Criteria Version 2. Collection method: clinical testing. Allele origin: germline. Affected: yes. Observed: 2 variant alleles.
Comment: TRNT1: PM2

Labcorp Genetics (formerly Invitae), Labcorp
Classification: Uncertain significance for Congenital sideroblastic anemia-B-cell immunodeficiency-periodic fever-developmental delay syndrome. Last evaluated: 2022-10-17. Review status: criteria provided, single submitter. Criteria: Invitae Variant Classification Sherloc (09022015). Collection method: clinical testing. Allele origin: germline.
Comment: This sequence change replaces glutamic acid, which is acidic and polar, with valine, which is neutral and non-polar, at codon 36 of the TRNT1 protein (p.Glu36Val). This variant is present in population databases (rs138682354, gnomAD 0.03%). This variant has not been reported in the literature in individuals affected with TRNT1-related conditions. ClinVar contains an entry for this variant (Variation ID: 662894). Algorithms developed to predict the effect of missense changes on protein structure and function are either unavailable or do not agree on the potential impact of this missense change (SIFT: "Deleterious"; PolyPhen-2: "Benign"; Align-GVGD: "Class C0"). In summary, the available evidence is currently insufficient to determine the role of this variant in disease. Therefore, it has been classified as a Variant of Uncertain Significance.

Institute of Human Genetics, Univ. Regensburg, Univ. Regensburg
Classification: Uncertain significance for Optic atrophy. Last evaluated: 2022-01-01. Review status: no assertion criteria provided. Criteria: ACMG Guidelines, 2015. Collection method: clinical testing. Allele origin: germline. Affected: yes. Not counted in ClinVar's aggregate classification.

Dr. Peter K. Rogan Lab, Western University
No classification provided (evidence only). Condition: Clear cell carcinoma of kidney. Review status: no classification provided. Collection method: in vitro. Allele origin: not applicable. Functional consequence: retained intron. Not counted in ClinVar's aggregate classification.

Dr. Peter K. Rogan Lab, Western University
No classification provided (evidence only). Condition: Ovarian serous cystadenocarcinoma. Review status: no classification provided. Collection method: in vitro. Allele origin: not applicable. Functional consequence: retained intron. Not counted in ClinVar's aggregate classification.

NM_182916.3(TRNT1):c.107A>T (p.Glu36Val)

Gene: TRNT1 (tRNA nucleotidyl transferase 1; plus strand). Cytogenetic location: 3p26.2.
Variant type: single nucleotide variant.
Coding change: c.107A>T on transcript NM_182916.3 (MANE Select); coding-DNA position 107, A replaced by T.
Protein change: p.Glu36Val; replaces glutamic acid 36 with valine.
Molecular consequence: missense variant. On other transcripts: non-coding transcript variant (11).
Genome position (GRCh38, 1-based): chr3:3,129,147, A>T. VCF-style: chr3-3129147-A-T. GRCh37 (hg19) VCF-style: chr3-3170831-A-T.
Other names: c.107A>T, p.Glu36Val (NM_001302946.2, NM_001367321.1, NM_001367322.1 and 1 more transcripts); short protein forms E36V.
Identifiers: ClinVar variation 662894 (VCV000662894.48), dbSNP rs138682354, ClinGen allele CA2228515.